The following is an entry in ClinVar:

ClinVar aggregate classification (germline): Pathogenic. Review status: criteria provided, single submitter (1 of 4 stars). 2 submissions from 2 submitters: Pathogenic (1). 1 of the submissions does not count toward it. Last evaluated 2024-02-02.

Conditions:
Methylcobalamin deficiency type cblG (HMAG). Also called: Functional methionine synthase deficiency type cblG; HOMOCYSTINURIA-MEGALOBLASTIC ANEMIA DUE TO DEFECT IN COBALAMIN METABOLISM, cblG COMPLEMENTATION TYPE; HOMOCYSTINURIA-MEGALOBLASTIC ANEMIA, cblG COMPLEMENTATION TYPE; HOMOCYSTINURIA-MEGALOBLASTIC ANEMIA, cblG TYPE. Identifiers: Orphanet 2170, Orphanet 622, MedGen C1855128, MONDO:0009609, OMIM 250940.

Allele frequency attached by ClinVar (database versions not stated): gnomAD exomes below 0.00001.
gnomAD v4.1: 1 of 1,613,836 alleles (0.000062%); highest among the groups gnomAD compares: Non-Finnish European, 0.000085%; no homozygotes.

Submissions (2):

Labcorp Genetics (formerly Invitae), Labcorp
Classification: Pathogenic for Methylcobalamin deficiency type cblG. Last evaluated: 2024-02-02. Review status: criteria provided, single submitter. Criteria: Invitae Variant Classification Sherloc (09022015). Collection method: clinical testing. Allele origin: germline.
Comment: This sequence change creates a premature translational stop signal (p.Glu1205*) in the MTR gene. It is expected to result in an absent or disrupted protein product. Loss-of-function variants in MTR are known to be pathogenic (PMID: 9683607, 12068375). This variant is not present in population databases (gnomAD no frequency). This premature translational stop signal has been observed in individual(s) with methylcobalamin G deficiency (PMID: 12068375). ClinVar contains an entry for this variant (Variation ID: 14287). Algorithms developed to predict the effect of sequence changes on RNA splicing suggest that this variant may disrupt the consensus splice site. For these reasons, this variant has been classified as Pathogenic.

OMIM
Classification: Pathogenic for HOMOCYSTINURIA-MEGALOBLASTIC ANEMIA, cblG COMPLEMENTATION TYPE. Last evaluated: 2002-07-01. Review status: no assertion criteria provided. Collection method: literature only. Allele origin: germline. Not counted in ClinVar's aggregate classification.

Literature cited by the submitters: PubMed 9683607 (cited by Labcorp Genetics (formerly Invitae), Labcorp); PubMed 12068375 (cited by Labcorp Genetics (formerly Invitae), Labcorp and OMIM).

NM_000254.3(MTR):c.3613G>T (p.Glu1205Ter)

Gene: MTR (5-methyltetrahydrofolate-homocysteine methyltransferase; plus strand). Cytogenetic location: 1q43.
Variant type: single nucleotide variant.
Coding change: c.3613G>T on transcript NM_000254.3 (MANE Select); coding-DNA position 3613, G replaced by T.
Protein change: p.Glu1205Ter; replaces glutamic acid 1205 with a stop codon.
Molecular consequence: nonsense.
Genome position (GRCh38, 1-based): chr1:236,897,020, G>T. VCF-style: chr1-236897020-G-T. GRCh37 (hg19) VCF-style: chr1-237060320-G-T.
Other names: E1204*; c.3460G>T, p.Glu1154Ter (NM_001291939.1); c.2392G>T, p.Glu798Ter (NM_001291940.2); short protein forms E1205*, E1154*, E798*.
Identifiers: ClinVar variation 14287 (VCV000014287.8), dbSNP rs121913581, ClinGen allele CA257200.